The following is an entry in ClinVar:

NM_001148.6(ANK2):c.6629T>C (p.Val2210Ala)

Gene: ANK2 (ankyrin 2; plus strand). Cytogenetic location: 4q26.
Variant type: single nucleotide variant.
Coding change: c.6629T>C on transcript NM_001148.6 (MANE Select); coding-DNA position 6629, T replaced by C.
Protein change: p.Val2210Ala; replaces valine 2210 with alanine.
Molecular consequence: missense variant. On other transcripts: intron variant (68).
Genome position (GRCh38, 1-based): chr4:113,355,247, T>C. VCF-style: chr4-113355247-T-C. GRCh37 (hg19) VCF-style: chr4-114276403-T-C.
Other names: c.3943+4998T>C (NM_001386158.1); c.4471+4998T>C (NM_001354241.2, NM_001386144.1, NM_001354240.2); c.4438+4998T>C (NM_001354225.2); c.4423+4998T>C (NM_001354235.2, NM_001354246.2, NM_001354265.2); c.4324+4998T>C (NM_001354236.2); c.4462+4998T>C (NM_001354232.2); c.4327+4998T>C (NM_001354228.2, NM_001354258.2); c.4264+4998T>C (NM_001354245.2, NM_001354262.2, NM_001354275.2); and 35 more; short protein forms V2132A, V1010A, V2249A, V2257A, V2210A.
Identifiers: ClinVar variation 2585816 (VCV002585816.2), dbSNP rs886038889, ClinGen allele CA357924751.

ClinVar aggregate classification (germline): Uncertain significance (1 of 4 stars; one submission).

Conditions:
Cardiovascular phenotype. Identifiers: MedGen CN230736.

gnomAD v4.1: 1 of 1,613,696 alleles (0.000062%); highest among the groups gnomAD compares: Admixed American, 0.0017%; no homozygotes.

Submission:

Ambry Genetics
Classification: Uncertain significance for Cardiovascular phenotype. Last evaluated: 2023-09-05. Review status: criteria provided, single submitter. Criteria: Ambry Variant Classification Scheme 2023. Collection method: clinical testing. Allele origin: germline.
Comment: The p.V2210A variant (also known as c.6629T>C), located in coding exon 38 of the ANK2 gene, results from a T to C substitution at nucleotide position 6629. The valine at codon 2210 is replaced by alanine, an amino acid with similar properties. This amino acid position is conserved. In addition, this alteration is predicted to be tolerated by in silico analysis. Since supporting evidence is limited at this time, the clinical significance of this alteration remains unclear.